The following is an entry in ClinVar:

NM_002547.3(OPHN1):c.2090G>T (p.Gly697Val)

Gene: OPHN1 (oligophrenin 1; minus strand). Cytogenetic location: Xq12.
Variant type: single nucleotide variant.
Coding change: c.2090G>T on transcript NM_002547.3 (MANE Select); coding-DNA position 2090, G replaced by T.
Protein change: p.Gly697Val; replaces glycine 697 with valine.
Molecular consequence: missense variant.
Genome position (GRCh38, 1-based): chrX:68,063,922, C>A on the plus strand (G>T on the coding strand, the complement: OPHN1 is on the minus strand). VCF-style: chrX-68063922-C-A. GRCh37 (hg19) VCF-style: chrX-67283764-C-A.
Other names: short protein forms G697V.
Identifiers: ClinVar variation 2724487 (VCV002724487.3), dbSNP rs2519631842, ClinGen allele CA413430261.

ClinVar aggregate classification (germline): Uncertain significance (1 of 4 stars; one submission).

Submission:

Labcorp Genetics (formerly Invitae), Labcorp
Classification: Uncertain significance. Last evaluated: 2024-07-01. Review status: criteria provided, single submitter. Criteria: Invitae Variant Classification Sherloc (09022015). Collection method: clinical testing. Allele origin: germline.
Comment: This sequence change replaces glycine, which is neutral and non-polar, with valine, which is neutral and non-polar, at codon 697 of the OPHN1 protein (p.Gly697Val). This variant is not present in population databases (gnomAD no frequency). This variant has not been reported in the literature in individuals affected with OPHN1-related conditions. Algorithms developed to predict the effect of missense changes on protein structure and function output the following: SIFT: "Not Available"; PolyPhen-2: "Benign"; Align-GVGD: "Not Available". The valine amino acid residue is found in multiple mammalian species, which suggests that this missense change does not adversely affect protein function. In summary, the available evidence is currently insufficient to determine the role of this variant in disease. Therefore, it has been classified as a Variant of Uncertain Significance.